The following is an entry in ClinVar:

NM_001349253.2(SCN11A):c.665G>A (p.Arg222His)

Gene: SCN11A (sodium voltage-gated channel alpha subunit 11; minus strand). Cytogenetic location: 3p22.2.
Variant type: single nucleotide variant.
Coding change: c.665G>A on transcript NM_001349253.2 (MANE Select); coding-DNA position 665, G replaced by A.
Protein change: p.Arg222His; replaces arginine 222 with histidine.
Molecular consequence: missense variant.
Genome position (GRCh38, 1-based): chr3:38,925,462, C>T on the plus strand (G>A on the coding strand, the complement: SCN11A is on the minus strand). VCF-style: chr3-38925462-C-T. GRCh37 (hg19) VCF-style: chr3-38966953-C-T.
Other names: c.665G>A (NM_014139.2); c.665G>A, p.Arg222His (NM_014139.3); short protein forms R222H.
Identifiers: ClinVar variation 872004 (VCV000872004.51), dbSNP rs1230622899, ClinGen allele CA352173327.

ClinVar aggregate classification (germline): Pathogenic. Review status: criteria provided, multiple submitters, no conflicts (2 of 4 stars). 7 submissions from 7 submitters: Pathogenic (7). Last evaluated 2026-08-11.

Conditions:
Hereditary sensory and autonomic neuropathy type 7. Also called: HSAN VII; Neuropathy, hereditary sensory and autonomic, type VII. Identifiers: Orphanet 391397, MedGen C3809882, MONDO:0014244, OMIM 615548.
Familial episodic pain syndrome with predominantly lower limb involvement. Also called: Episodic pain syndrome, familial, 3. Identifiers: Orphanet 391384, Orphanet 391392, MedGen C3809899, MONDO:0014247, OMIM 615552.
SCN11A-related disorder. Also called: SCN11A-related condition.
Inborn genetic diseases. Identifiers: MedGen C0950123, MeSH D030342.

Allele frequency attached by ClinVar (database versions not stated): gnomAD exomes below 0.00001.

Submissions (7):

Ambry Genetics
Classification: Pathogenic for Inborn genetic diseases. Last evaluated: 2026-08-11. Review status: criteria provided, single submitter. Criteria: Ambry Variant Classification Scheme 2023. Collection method: clinical testing. Allele origin: germline.
Comment: The c.665G>A (p.R222H) alteration is located in exon 5 (coding exon 5) of the SCN11A gene. This alteration results from a G to A substitution at nucleotide position 665, causing the arginine (R) at amino acid position 222 to be replaced by a histidine (H). The Genome Aggregation Database (gnomAD) data for this variant is unreliable due to technical and/or biological issues; therefore, population frequency estimates were not considered. This variant was reported in individual(s) with features consistent with SCN11A-related heritable pain disorders and segregated with disease in at least one family (Okuda, 2016; Noguchi, 2024). Other variant(s) at the same codon, c.664C>A (p.R222S), have been identified in individual(s) with features consistent with SCN11A-related heritable pain disorders (Okuda, 2016). This amino acid position is highly conserved in available vertebrate species. This alteration is predicted to be deleterious by in silico analysis. In silico splice site analysis for this alteration is inconclusive. Based on the available evidence, this alteration is classified as pathogenic.

Institute of Medical Genetics and Applied Genomics, University Hospital Tübingen
Classification: Pathogenic for Familial episodic pain syndrome with predominantly lower limb involvement. Last evaluated: 2026-07-01. Review status: criteria provided, single submitter. Criteria: ACMG Guidelines, 2015. Collection method: clinical testing. Allele origin: germline. Inheritance: Autosomal dominant inheritance. Affected: yes.

GeneDx
Classification: Pathogenic. Last evaluated: 2024-04-23. Review status: criteria provided, single submitter. Criteria: GeneDx Variant Classification Process June 2021. Collection method: clinical testing. Allele origin: germline. Affected: yes.
Comment: Published functional studies demonstrate acceleration of activation of the of the R222H mutant channel (PMID: 27503742); This variant is associated with the following publications: (PMID: 30216585, 0549873, 28953656, 30557356, 28298626, 27224030, 27503742)

Blueprint Genetics
Classification: Pathogenic for SCN11A-related disorders. Last evaluated: 2024-01-31. Review status: criteria provided, single submitter. Criteria: ACMG Guidelines, 2015. Collection method: clinical testing. Allele origin: de novo. Affected: yes. Observed: 5 variant alleles.

CeGaT Center for Human Genetics Tuebingen
Classification: Pathogenic. Last evaluated: 2022-11-01. Review status: criteria provided, single submitter. Criteria: CeGaT Center For Human Genetics Tuebingen Variant Classification Criteria Version 2. Collection method: clinical testing. Allele origin: germline. Affected: yes. Observed: 6 variant alleles.
Comment: SCN11A: PP1:Strong, PS4, PM2, PM5

Labcorp Genetics (formerly Invitae), Labcorp
Classification: Pathogenic for Familial episodic pain syndrome with predominantly lower limb involvement; Hereditary sensory and autonomic neuropathy type 7. Last evaluated: 2022-10-17. Review status: criteria provided, single submitter. Criteria: Invitae Variant Classification Sherloc (09022015). Collection method: clinical testing. Allele origin: germline.
Comment: This sequence change replaces arginine, which is basic and polar, with histidine, which is basic and polar, at codon 222 of the SCN11A protein (p.Arg222His). This variant is not present in population databases (gnomAD no frequency). For these reasons, this variant has been classified as Pathogenic. Experimental studies have shown that this missense change affects SCN11A function (PMID: 27503742). Advanced modeling of protein sequence and biophysical properties (such as structural, functional, and spatial information, amino acid conservation, physicochemical variation, residue mobility, and thermodynamic stability) performed at Invitae indicates that this missense variant is expected to disrupt SCN11A protein function. ClinVar contains an entry for this variant (Variation ID: 872004). This missense change has been observed in individuals with familial episodic pain syndrome (PMID: 27224030, 27503742, 30557356). It has also been observed to segregate with disease in related individuals.

Juno Genomics, Hangzhou Juno Genomics, Inc
Classification: Pathogenic for Familial episodic pain syndrome with predominantly lower limb involvement. Review status: criteria provided, single submitter. Criteria: ACMG Guidelines, 2015. Collection method: clinical testing. Allele origin: germline. Affected: yes.
Comment: Absent from controls (or at extremely low frequency if recessive) in Genome Aggregation Database, Exome Sequencing Project, 1000 Genomes Project, or Exome Aggregation Consortium.;Well-established in vitro or in vivo functional studies supportive of a damaging effect on the gene or gene product.;The prevalence of the variant in affected individuals is significantly increased compared to the prevalence in controls.;Co-segregation with disease in multiple affected family members in a gene definitively known to cause the disease.;Patient's phenotype or family history is highly specific for a disease with a single genetic etiology.

Literature cited by the submitters: PubMed 27224030 (cited by Ambry Genetics and Labcorp Genetics (formerly Invitae), Labcorp); PubMed 38999942 (cited by Ambry Genetics); PubMed 27503742 (cited by Labcorp Genetics (formerly Invitae), Labcorp); PubMed 30557356 (cited by Labcorp Genetics (formerly Invitae), Labcorp).